The following is an entry in ClinVar:

ClinVar aggregate classification (germline): Benign (1 of 4 stars; one submission).

Conditions:
Exudative vitreoretinopathy 1 (EVR1). Also called: CRISWICK-SCHEPENS SYNDROME; FEVR, AUTOSOMAL DOMINANT; Familial exudative vitreoretinopathy, autosomal dominant. Identifiers: Orphanet 891, Orphanet 90050, MedGen C1851402, MONDO:0007589, OMIM 133780.

Allele frequency attached by ClinVar (database versions not stated): gnomAD 0.00007 and 0.00008; TOPMed 0.00013; 1000 Genomes Project 30x 0.00031; 1000 Genomes Project 0.00040.

Submission:

Illumina Laboratory Services, Illumina
Classification: Benign for Exudative vitreoretinopathy 1. Last evaluated: 2018-01-12. Review status: criteria provided, single submitter. Criteria: ICSL Variant Classification Criteria 13 December 2019. Collection method: clinical testing. Allele origin: germline.
Comment: This variant was observed in the ICSL laboratory as part of a predisposition screen in an ostensibly healthy population. It had not been previously curated by ICSL or reported in the Human Gene Mutation Database (HGMD: prior to June 1st, 2018), and was therefore a candidate for classification through an automated scoring system. Utilizing variant allele frequency, disease prevalence and penetrance estimates, and inheritance mode, an automated score was calculated to assess if this variant is too frequent to cause the disease. Based on the score and internal cut-off values, a variant classified as benign is not then subjected to further curation. The score for this variant resulted in a classification of benign for this disease.

NM_012193.4(FZD4):c.*4618G>A

Genes: PRSS23 (serine protease 23; plus strand), FZD4 (frizzled class receptor 4; minus strand). Cytogenetic location: 11q14.2.
Variant type: single nucleotide variant.
Coding change: c.*4618G>A on transcript NM_012193.4 (MANE Select); 4618 bases downstream of the stop codon, G replaced by A.
Molecular consequence: 3 prime UTR variant.
Genome position (GRCh38, 1-based): chr11:86,946,524, C>T on the plus strand (G>A on the coding strand, the complement: FZD4 is on the minus strand). VCF-style: chr11-86946524-C-T. GRCh37 (hg19) VCF-style: chr11-86657566-C-T.
Identifiers: ClinVar variation 306336 (VCV000306336.5), dbSNP rs147043943, ClinGen allele CA10639571.